The following is an entry in ClinVar:

NM_000178.4(GSS):c.799C>T (p.Arg267Trp)

Gene: GSS (glutathione synthetase; minus strand). Cytogenetic location: 20q11.22.
Variant type: single nucleotide variant.
Coding change: c.799C>T on transcript NM_000178.4 (MANE Select); coding-DNA position 799, C replaced by T.
Protein change: p.Arg267Trp; replaces arginine 267 with tryptophan.
Molecular consequence: missense variant.
Genome position (GRCh38, 1-based): chr20:34,935,611, G>A on the plus strand (C>T on the coding strand, the complement: GSS is on the minus strand). VCF-style: chr20-34935611-G-A. GRCh37 (hg19) VCF-style: chr20-33523414-G-A.
Other names: c.799C>T, p.Arg267Trp (LRG_1168t1, NM_001322494.1, NM_001322495.1); short protein forms R267W.
Identifiers: ClinVar variation 8527 (VCV000008527.6), dbSNP rs121909308, ClinGen allele CA119692.

ClinVar aggregate classification (germline): Pathogenic/Likely pathogenic. Review status: criteria provided, multiple submitters, no conflicts (2 of 4 stars). 4 submissions from 4 submitters: Pathogenic (1); Likely pathogenic (2). 1 of the submissions does not count toward it. Last evaluated 2024-06-21.

Conditions:
Glutathione synthetase deficiency with 5-oxoprolinuria. Also called: Reduced glutathione synthetase level; 5-Oxoprolinuria; 5-OXOPROLINURIA DUE TO GLUTATHIONE SYNTHETASE DEFICIENCY; Gluthathione synthetase deficiency; PYROGLUTAMIC ACIDURIA. Identifiers: Orphanet 289846, MedGen C0398746, MONDO:0009947, OMIM 266130, HP:0003343.
Glutathione synthetase deficiency without 5-oxoprolinuria. Also called: ANEMIA, CONGENITAL, NONSPHEROCYTIC HEMOLYTIC, 6. Identifiers: Orphanet 289849, Orphanet 32, MedGen C1856399, MONDO:0009284, OMIM 231900.

Allele frequency attached by ClinVar (database versions not stated): ExAC 0.00001; gnomAD exomes 0.00002 and 0.00001.
gnomAD v4.1: 25 of 1,613,434 alleles (0.0015%); highest among the groups gnomAD compares: East Asian, 0.0022%; no homozygotes.

Submissions (4):

Fulgent Genetics
Classification: Likely pathogenic for Glutathione synthetase deficiency without 5-oxoprolinuria; Glutathione synthetase deficiency with 5-oxoprolinuria. Last evaluated: 2024-06-21. Review status: criteria provided, single submitter. Criteria: ACMG Guidelines, 2015. Collection method: clinical testing. Allele origin: germline.

Women's Health and Genetics/Laboratory Corporation of America, LabCorp
Classification: Likely pathogenic for Glutathione synthetase deficiency with 5-oxoprolinuria. Last evaluated: 2024-06-18. Review status: criteria provided, single submitter. Criteria: LabCorp Variant Classification Summary - May 2015. Collection method: clinical testing. Allele origin: germline.
Comment: Variant summary: GSS c.799C>T (p.Arg267Trp) results in a non-conservative amino acid change located in the glutathione synthase, substrate-binding domain (IPR004887) of the encoded protein sequence. Five of five in-silico tools predict a damaging effect of the variant on protein function. The variant allele was found at a frequency of 1.2e-05 in 251450 control chromosomes. c.799C>T has been reported in the literature in the compound heterozygous state in individuals affected with Glutathione Synthetase Deficiency (e.g. Shi_1996, Dahl_1997). These data indicate that the variant may be associated with disease. In vitro studies in e.coli report that this variant results in absent GSS activity (e.g. Shi_1996) and kinetic impairment of enzyme function (e.g.Njalsson_2000). The following publications have been ascertained in the context of this evaluation (PMID: 9215686, 10861239, 8896573). ClinVar contains an entry for this variant (Variation ID: 8527). Based on the evidence outlined above, the variant was classified as likely pathogenic.

Labcorp Genetics (formerly Invitae), Labcorp
Classification: Pathogenic for Glutathione synthetase deficiency with 5-oxoprolinuria. Last evaluated: 2024-02-29. Review status: criteria provided, single submitter. Criteria: Invitae Variant Classification Sherloc (09022015). Collection method: clinical testing. Allele origin: germline.
Comment: This sequence change replaces arginine, which is basic and polar, with tryptophan, which is neutral and slightly polar, at codon 267 of the GSS protein (p.Arg267Trp). This variant is present in population databases (rs121909308, gnomAD 0.003%). This missense change has been observed in individual(s) with glutathione synthetase deficiency (PMID: 8896573, 11445798). ClinVar contains an entry for this variant (Variation ID: 8527). Advanced modeling of protein sequence and biophysical properties (such as structural, functional, and spatial information, amino acid conservation, physicochemical variation, residue mobility, and thermodynamic stability) performed at Invitae indicates that this missense variant is expected to disrupt GSS protein function with a positive predictive value of 80%. Experimental studies have shown that this missense change affects GSS function (PMID: 8896573, 10861239, 30581542). This variant disrupts the p.Arg267 amino acid residue in GSS. Other variant(s) that disrupt this residue have been observed in individuals with GSS-related conditions (PMID: 31198081), which suggests that this may be a clinically significant amino acid residue. For these reasons, this variant has been classified as Pathogenic.

OMIM
Classification: Pathogenic for GLUTATHIONE SYNTHETASE DEFICIENCY. Last evaluated: 1996-11-01. Review status: no assertion criteria provided. Collection method: literature only. Allele origin: germline. Not counted in ClinVar's aggregate classification.

Literature cited by the submitters: PubMed 8896573 (cited by 3 submitters); PubMed 10861239 (cited by Women's Health and Genetics/Laboratory Corporation of America, LabCorp and Labcorp Genetics (formerly Invitae), Labcorp); PubMed 9215686 (cited by Women's Health and Genetics/Laboratory Corporation of America, LabCorp); PubMed 11445798 (cited by Labcorp Genetics (formerly Invitae), Labcorp); PubMed 30581542 (cited by Labcorp Genetics (formerly Invitae), Labcorp); PubMed 31198081 (cited by Labcorp Genetics (formerly Invitae), Labcorp).